The following is an entry in ClinVar:

ClinVar aggregate classification (germline): Uncertain significance. Review status: criteria provided, single submitter (1 of 4 stars). 2 submissions from 2 submitters: Uncertain significance (1). 1 of the submissions does not count toward it. Last evaluated 2024-12-16.

Conditions:
UDPglucose-4-epimerase deficiency. Also called: UDP-GALACTOSE-4-EPIMERASE DEFICIENCY; Galactose epimerase deficiency; UDPglucose 4-Epimerase Deficiency Disease; GALACTOSEMIA III; GALE DEFICIENCY; Epimerase Deficiency Galactosemia. Identifiers: Orphanet 352, Orphanet 79238, MedGen C0751161, MONDO:0009257, OMIM 230350.
GALE-related disorder. Also called: GALE-related condition.

Allele frequency attached by ClinVar (database versions not stated): ExAC 0.00002; gnomAD 0.00002; ESP Exome Variant Server 0.00008.
gnomAD v4.1: 25 of 1,613,878 alleles (0.0015%); highest among the groups gnomAD compares: African/African-American, 0.0027%; no homozygotes.

Submissions (2):

Labcorp Genetics (formerly Invitae), Labcorp
Classification: Uncertain significance for UDPglucose-4-epimerase deficiency. Last evaluated: 2024-12-16. Review status: criteria provided, single submitter. Criteria: Invitae Variant Classification Sherloc (09022015). Collection method: clinical testing. Allele origin: germline.
Comment: This sequence change replaces arginine, which is basic and polar, with cysteine, which is neutral and slightly polar, at codon 335 of the GALE protein (p.Arg335Cys). This variant is present in population databases (rs368420588, gnomAD 0.002%). This variant has not been reported in the literature in individuals affected with GALE-related conditions. ClinVar contains an entry for this variant (Variation ID: 2082448). Invitae Evidence Modeling of protein sequence and biophysical properties (such as structural, functional, and spatial information, amino acid conservation, physicochemical variation, residue mobility, and thermodynamic stability) indicates that this missense variant is not expected to disrupt GALE protein function with a negative predictive value of 80%. In summary, the available evidence is currently insufficient to determine the role of this variant in disease. Therefore, it has been classified as a Variant of Uncertain Significance.

PreventionGenetics, part of Exact Sciences
Classification: Uncertain significance for GALE-related condition. Last evaluated: 2023-10-25. Review status: no assertion criteria provided. Collection method: clinical testing. Allele origin: germline. Not counted in ClinVar's aggregate classification.
Comment: The GALE c.1003C>T variant is predicted to result in the amino acid substitution p.Arg335Cys. To our knowledge, this variant has not been reported in the literature. An alternate substitution impacting the same amino acid (p.Arg335His) has been reported in individuals with galactosemia epimerase deficiency (Park et al 2005. PubMed ID: 16301867; 2005. PubMed ID: 16302980) and was reported to mildly reduce enzyme activity (Timson et al. 2005. PubMed ID: 16302980; Bang YL et al 2009. PubMed ID: 19250319), suggesting the p.Arg335 amino acid may be important for galactosemia epimerase activity. The c.1003C>T (p.Arg335Cys) variant is reported in 0.0018% of alleles in individuals of European (Non-Finnish) descent in gnomAD. Although we suspect that this variant may be pathogenic, at this time, the clinical significance of this variant is uncertain due to the absence of conclusive functional and genetic evidence.

NM_001008216.2(GALE):c.1003C>T (p.Arg335Cys)

Gene: GALE (UDP-galactose-4-epimerase; minus strand). Cytogenetic location: 1p36.11.
Variant type: single nucleotide variant.
Coding change: c.1003C>T on transcript NM_001008216.2 (MANE Select); coding-DNA position 1003, C replaced by T.
Protein change: p.Arg335Cys; replaces arginine 335 with cysteine.
Molecular consequence: missense variant.
Genome position (GRCh38, 1-based): chr1:23,795,993, G>A on the plus strand (C>T on the coding strand, the complement: GALE is on the minus strand). VCF-style: chr1-23795993-G-A. GRCh37 (hg19) VCF-style: chr1-24122483-G-A.
Other names: c.1003C>T, p.Arg335Cys (NM_000403.4, NM_001127621.2); c.1003C>T (NM_000403.3); short protein forms R335C.
Identifiers: ClinVar variation 2082448 (VCV002082448.4), dbSNP rs368420588, ClinGen allele CA685397.
Genomic context (GRCh38, chr1:23,795,993, plus strand): 5'-TGGTAGGGGAGGGTCCTCAGGCTTGCGTGCCAAAGCCTGAAGGATTCTGCTTCTGCCAGC[G>A]CCAGAGATCCTCACCTGCAACACGGCGAGGTGTGTGCTCAGGGCCCACGGTGGAATGCAG-3'
Protein context (NP_001008217.1, residues 325-345): GLDRMCEDLW[Arg335Cys]WQKQNPSGFG